The following is an entry in ClinVar:

NM_001142784.3(IL11RA):c.100+1G>A

Gene: IL11RA (interleukin 11 receptor subunit alpha; plus strand). Cytogenetic location: 9p13.3.
Variant type: single nucleotide variant.
Coding change: c.100+1G>A on transcript NM_001142784.3 (MANE Select); the canonical splice donor site of the intron after coding-DNA position 100, G replaced by A.
Molecular consequence: splice donor variant.
Genome position (GRCh38, 1-based): chr9:34,655,318, G>A. VCF-style: chr9-34655318-G-A. GRCh37 (hg19) VCF-style: chr9-34655315-G-A.
Identifiers: ClinVar variation 3774644 (VCV003774644.1).

ClinVar aggregate classification (germline): Uncertain significance (1 of 4 stars; one submission).

Submission:

GeneDx
Classification: Uncertain significance. Last evaluated: 2024-09-25. Review status: criteria provided, single submitter. Criteria: GeneDx Variant Classification Process June 2021. Collection method: clinical testing. Allele origin: germline. Affected: yes.
Comment: Canonical splice site variant predicted to result in a null allele in a gene for which loss of function is a known mechanism of disease; Has not been previously published as pathogenic or benign to our knowledge